The following is an entry in ClinVar:

ClinVar aggregate classification (germline): Likely pathogenic (1 of 4 stars; one submission).

Conditions:
Joubert syndrome. Also called: CEREBELLOPARENCHYMAL DISORDER IV; JOUBERT-BOLTSHAUSER SYNDROME; Familial aplasia of the vermis. Identifiers: Orphanet 475, MedGen C5979921, MONDO:0018772.
Meckel-Gruber syndrome. Also called: DYSENCEPHALIA SPLANCHNOCYSTICA; GRUBER SYNDROME; Dysencephalia splachnocystica. Identifiers: Orphanet 564, MedGen C0265215, MONDO:0018921.

Submission:

Labcorp Genetics (formerly Invitae), Labcorp
Classification: Likely pathogenic for Joubert syndrome; Meckel-Gruber syndrome. Last evaluated: 2024-01-17. Review status: criteria provided, single submitter. Criteria: Invitae Variant Classification Sherloc (09022015). Collection method: clinical testing. Allele origin: germline.
Comment: This sequence change affects a donor splice site in intron 24 of the RPGRIP1L gene. It is expected to disrupt RNA splicing. Variants that disrupt the donor or acceptor splice site typically lead to a loss of protein function (PMID: 16199547), and loss-of-function variants in RPGRIP1L are known to be pathogenic (PMID: 17558409). This variant is not present in population databases (gnomAD no frequency). This variant has not been reported in the literature in individuals affected with RPGRIP1L-related conditions. Algorithms developed to predict the effect of sequence changes on RNA splicing suggest that this variant may disrupt the consensus splice site. In summary, the currently available evidence indicates that the variant is pathogenic, but additional data are needed to prove that conclusively. Therefore, this variant has been classified as Likely Pathogenic.

Literature cited by the submitters: PubMed 16199547; PubMed 17558409.

NM_015272.5(RPGRIP1L):c.3616+2T>C

Gene: RPGRIP1L (RPGRIP1 like; minus strand). Cytogenetic location: 16q12.2.
Variant type: single nucleotide variant.
Coding change: c.3616+2T>C on transcript NM_015272.5 (MANE Select); the canonical splice donor site of the intron after coding-DNA position 3616, T replaced by C.
Molecular consequence: splice donor variant.
Genome position (GRCh38, 1-based): chr16:53,619,023, A>G on the plus strand (T>C on the coding strand, the complement: RPGRIP1L is on the minus strand). VCF-style: chr16-53619023-A-G. GRCh37 (hg19) VCF-style: chr16-53652935-A-G.
Other names: c.3376+2T>C (NM_001127897.4); c.3514+2T>C (NM_001330538.2); c.3478+2T>C (NM_001308334.3).
Identifiers: ClinVar variation 2922265 (VCV002922265.3), dbSNP rs2543788281, ClinGen allele CA395923317.
Genomic context (GRCh38, chr16:53,619,023, plus strand): 5'-ACTTCTTTCATAAATAAAAAAGACAAACATAAAAGTCTATATTACAAATGAATCATACAT[A>G]CCATTGCTATAGTTATAGTAGACCCACTGCCCACTCTTGGGTTTTGGAAGTGACACGGGT-3'